The following is an entry in ClinVar:

ClinVar aggregate classification (germline): Likely benign. Review status: criteria provided, multiple submitters, no conflicts (2 of 4 stars). 5 submissions from 5 submitters: Likely benign (4). 1 of the submissions does not count toward it. Last evaluated 2025-05-19.

Conditions:
COL11A1-related disorder. Also called: COL11A1-related condition; COL11A1-related disorders.

Allele frequency attached by ClinVar (database versions not stated): ExAC 0.00004.
gnomAD v4.1: 31 of 1,613,952 alleles (0.0019%); highest among the groups gnomAD compares: Middle Eastern, 0.033%; no homozygotes.

Submissions (5):

Labcorp Genetics (formerly Invitae), Labcorp
Classification: Likely benign. Last evaluated: 2025-05-19. Review status: criteria provided, single submitter. Criteria: Invitae Variant Classification Sherloc (09022015). Collection method: clinical testing. Allele origin: germline.

CeGaT Center for Human Genetics Tuebingen
Classification: Likely benign. Last evaluated: 2025-01-01. Review status: criteria provided, single submitter. Criteria: CeGaT Center For Human Genetics Tuebingen Variant Classification Criteria Version 2. Collection method: clinical testing. Allele origin: germline. Affected: yes. Observed: 1 variant allele.
Comment: COL11A1: BP4, BP7

Blueprint Genetics
Classification: Likely benign. Last evaluated: 2024-10-02. Review status: criteria provided, single submitter. Criteria: ACMG Guidelines, 2015. Collection method: clinical testing. Allele origin: germline.

GeneDx
Classification: Likely benign. Last evaluated: 2021-08-20. Review status: criteria provided, single submitter. Criteria: GeneDx Variant Classification Process June 2021. Collection method: clinical testing. Allele origin: germline. Affected: yes.

PreventionGenetics, part of Exact Sciences
Classification: Likely benign for COL11A1-related condition. Last evaluated: 2024-06-24. Review status: no assertion criteria provided. Collection method: clinical testing. Allele origin: germline. Not counted in ClinVar's aggregate classification.
Comment: This variant is classified as likely benign based on ACMG/AMP sequence variant interpretation guidelines (Richards et al. 2015 PMID: 25741868, with internal and published modifications).

NM_001854.4(COL11A1):c.2724C>T (p.Gly908=)

Gene: COL11A1 (collagen type XI alpha 1 chain; minus strand). Cytogenetic location: 1p21.1.
Variant type: single nucleotide variant.
Coding change: c.2724C>T on transcript NM_001854.4 (MANE Select); coding-DNA position 2724, C replaced by T.
Protein change: p.Gly908=; no amino-acid change (glycine 908 retained).
Molecular consequence: synonymous variant. On other transcripts: non-coding transcript variant (1).
Genome position (GRCh38, 1-based): chr1:102,978,738, G>A on the plus strand (C>T on the coding strand, the complement: COL11A1 is on the minus strand). VCF-style: chr1-102978738-G-A. GRCh37 (hg19) VCF-style: chr1-103444294-G-A.
Other names: c.2607C>T, p.Gly869= (NM_001190709.2); c.2760C>T, p.Gly920= (NM_080629.3); c.2376C>T, p.Gly792= (NM_080630.4).
Identifiers: ClinVar variation 1343868 (VCV001343868.21), dbSNP rs201972285, ClinGen allele CA974299.
Genomic context (GRCh38, chr1:102,978,738, plus strand): 5'-TTTTATATTATGTGGCTGTATCATACGTACTCTTTCACCTGGAGGGCCAGGAGGGCCATC[G>A]CCACCTGAAGTGCCCTGGCACCAAGAAAAGAAAAGAAAAATCAGTTTGAATTCTTTCTCA-3'
Protein context (NP_001845.3, residues 898-918): GKPGPKGTSG[Gly908=]DGPPGPPGER